The following is an entry in ClinVar:

ClinVar aggregate classification (germline): Pathogenic/Likely pathogenic. Review status: criteria provided, multiple submitters, no conflicts (2 of 4 stars). 2 submissions from 2 submitters: Pathogenic (1); Likely pathogenic (1). Last evaluated 2024-05-08.

Conditions:
Renal tubular acidosis with progressive nerve deafness. Also called: Distal Renal Tubular Acidosis with Progressive Sensorineural Deafness; RENAL TUBULAR ACIDOSIS, AUTOSOMAL RECESSIVE, WITH PROGRESSIVE NERVE DEAFNESS; RTA WITH PROGRESSIVE NERVE DEAFNESS; renal tubular acidosis, distal, 2, with progressive sensorineural hearing loss. Identifiers: MedGen C0403554, MONDO:0009968, OMIM 267300.

Submissions (2):

Natera, Inc.
Classification: Likely pathogenic for Renal tubular acidosis with progressive nerve deafness. Last evaluated: 2024-05-08. Review status: criteria provided, single submitter. Criteria: Natera Variant Classification Schema (03/2026). Collection method: clinical testing. Allele origin: germline.
Comment: The c.741_750del variant in ATP6V1B1 is a frameshift variant predicted to shift the reading frame beginning at codon 248 and leads to a stop codon 5 codons downstream. This variant is expected to result in nonsense mediated decay, truncation, or a dysfunctional protein product. This variant is rare in the general population with a frequency below the threshold expected for the associated phenotype(s). Given the available evidence, this variant is classified as Likely Pathogenic.

Myriad Genetics, Inc.
Classification: Pathogenic for Renal tubular acidosis with progressive nerve deafness. Last evaluated: 2024-01-10. Review status: criteria provided, single submitter. Criteria: Myriad Autosomal Dominant, Autosomal Recessive and X-Linked Classification Criteria (2023). Collection method: clinical testing. Allele origin: unknown.
Comment: NM_001692.3(ATP6V1B1):c.741_750del10(M248Sfs*5) is expected to be pathogenic in the context of distal renal tubular acidosis with deafness, ATP6V1B1-related. This variant is predicted to lead to an abnormal or absent protein product due to the creation of a premature termination codon in ATP6V1B1, a gene where loss-of-function variants are known to be pathogenic. Please note: this variant was assessed in the context of healthy population screening.

NM_001692.4(ATP6V1B1):c.741_750del (p.Met248fs)

Gene: ATP6V1B1 (ATPase H+ transporting V1 subunit B1; plus strand). Cytogenetic location: 2p13.3.
Variant type: Deletion.
Coding change: c.741_750del on transcript NM_001692.4 (MANE Select); coding-DNA positions 741 to 750, 10 bases deleted (CATGGGGAAC; older notation c.741_750delCATGGGGAAC).
Protein change: p.Met248fs; shifts the reading frame from methionine 248.
Molecular consequence: frameshift variant.
Genome position (GRCh38, 1-based): chr2:70,961,649-70,961,658, CATGGGGAAC deleted; deleting any 10 consecutive bases within chr2:70,961,644-70,961,658 gives the same sequence; the c. name uses the placement nearest the transcript's 3' end. VCF-style (leftmost placement, unchanged base first): chr2-70961643-TGGAACCATGG-T. GRCh37 (hg19) VCF-style: chr2-71188773-TGGAACCATGG-T.
Other names: short protein forms M248fs.
Identifiers: ClinVar variation 4814935 (VCV004814935.2).
Genomic context (GRCh38, chr2:70,961,643, plus strand): 5'-GCTGTGTATCCAGGTGAACATGGAGACAGCCAGATTCTTCAAGTCTGACTTTGAGCAGAA[TGGAACCATGG>T]GGAACGTCTGCCTCTTCCTGAACTTGGCCAATGACCCCACGTGAGCTTTCCCTGATGCCC-3'